The following is an entry in ClinVar:

NM_000138.5(FBN1):c.2939G>T (p.Cys980Phe)

Gene: FBN1 (fibrillin 1; minus strand). Cytogenetic location: 15q21.1.
Variant type: single nucleotide variant.
Coding change: c.2939G>T on transcript NM_000138.5 (MANE Select); coding-DNA position 2939, G replaced by T.
Protein change: p.Cys980Phe; replaces cysteine 980 with phenylalanine.
Molecular consequence: missense variant.
Genome position (GRCh38, 1-based): chr15:48,489,994, C>A on the plus strand (G>T on the coding strand, the complement: FBN1 is on the minus strand). VCF-style: chr15-48489994-C-A. GRCh37 (hg19) VCF-style: chr15-48782191-C-A.
Other names: short protein forms C980F.
Identifiers: ClinVar variation 495583 (VCV000495583.1), dbSNP rs1555398816, ClinGen allele CA392329615.

ClinVar aggregate classification (germline): Likely pathogenic (1 of 4 stars; one submission).

Conditions:
Marfan Syndrome/Loeys-Dietz Syndrome/Familial Thoracic Aortic Aneurysms and Dissections. Identifiers: MedGen CN229799.

Submission:

Women's Health and Genetics/Laboratory Corporation of America, LabCorp
Classification: Likely pathogenic for Marfan Syndrome/Loeys-Dietz Syndrome/Familial Thoracic Aortic Aneurysms and Dissections. Last evaluated: 2017-06-07. Review status: criteria provided, single submitter. Criteria: LabCorp Variant Classification Summary - May 2015. Collection method: clinical testing. Allele origin: germline.
Comment: Variant summary: The FBN1 c.2939G>T (p.Cys980Phe) variant causes a missense change involving the alteration of a conserved nucleotide. 4/4 in silico tools predict a damaging outcome for this variant (SNPsandGO not captured due to low reliability index). The variant of interest lies in a conserved region within a TGF-beta binding (TB) domain. Many manifestations of Marfan syndrome relate to excess activation and signaling by the growth factor TGF-beta (Dietz_2005). This variant leads to the substitution of cysteine with phenylalanine. The sulfhydryl group of cysteine is unique in its ability to participate in disulfide covalent cross-linkage. In fact, two thirds of fibrillin cysteine residues exist in the half-cystinyl form, suggesting their participation in intramolecular disulfide linkage. Therefore, alteration of cysteine in this domain could disrupt disulfide binding, affecting secondary or tertiary structure or possibly impairing fibrillin interactions. Further supporting the critical function of Cys980, p.Cys980Ser and p.Cys980Tyr have been reported to associate with MFS in HGMD. The variant of interest is absent in a large, broad control population, ExAC in 121332 control chromosomes. The variant of interest has not, to our knowledge, been reported in affected individuals via publications and/or reputable databases/clinical diagnostic laboratories; nor evaluated for functional impact by in vivo/vitro studies. Taken together, this variant is classified as likely pathogenic.